The following is an entry in ClinVar:

NM_004656.4(BAP1):c.68-3C>G

Gene: BAP1 (BRCA1 associated deubiquitinase 1; minus strand). Cytogenetic location: 3p21.1.
Variant type: single nucleotide variant.
Coding change: c.68-3C>G on transcript NM_004656.4 (MANE Select); 3 bases into the intron before coding-DNA position 68, C replaced by G.
Molecular consequence: intron variant.
Genome position (GRCh38, 1-based): chr3:52,409,611, G>C on the plus strand (C>G on the coding strand, the complement: BAP1 is on the minus strand). VCF-style: chr3-52409611-G-C. GRCh37 (hg19) VCF-style: chr3-52443627-G-C.
Other names: c.68-3C>G (NM_001410772.1).
Identifiers: ClinVar variation 3252462 (VCV003252462.1), dbSNP rs2153228559.

ClinVar aggregate classification (germline): Uncertain significance (1 of 4 stars; one submission).

Submission:

GeneDx
Classification: Uncertain significance. Last evaluated: 2023-10-02. Review status: criteria provided, single submitter. Criteria: GeneDx Variant Classification Process June 2021. Collection method: clinical testing. Allele origin: germline. Affected: yes.
Comment: Not observed at significant frequency in large population cohorts (gnomAD); In silico analysis supports a deleterious effect on splicing; Has not been previously published as pathogenic or benign to our knowledge